The following is an entry in ClinVar:

ClinVar aggregate classification (germline): Uncertain significance (1 of 4 stars; one submission).

Allele frequency attached by ClinVar (database versions not stated): TOPMed 0.00001; ExAC 0.00002; gnomAD 0.00003; gnomAD exomes 0.00006; 1000 Genomes Project 30x 0.00016; 1000 Genomes Project 0.00020.
gnomAD v4.1: 91 of 1,608,228 alleles (0.0057%); highest among the groups gnomAD compares: East Asian, 0.2%; no homozygotes.

Submission:

Labcorp Genetics (formerly Invitae), Labcorp
Classification: Uncertain significance. Last evaluated: 2022-08-17. Review status: criteria provided, single submitter. Criteria: Invitae Variant Classification Sherloc (09022015). Collection method: clinical testing. Allele origin: germline.
Comment: This sequence change replaces glycine, which is neutral and non-polar, with aspartic acid, which is acidic and polar, at codon 81 of the PDHX protein (p.Gly81Asp). This variant is present in population databases (rs554051809, gnomAD 0.02%). This variant has not been reported in the literature in individuals affected with PDHX-related conditions. Algorithms developed to predict the effect of missense changes on protein structure and function are either unavailable or do not agree on the potential impact of this missense change (SIFT: "Deleterious"; PolyPhen-2: "Probably Damaging"; Align-GVGD: "Class C0"). In summary, the available evidence is currently insufficient to determine the role of this variant in disease. Therefore, it has been classified as a Variant of Uncertain Significance.

NM_003477.3(PDHX):c.242G>A (p.Gly81Asp)

Gene: PDHX (pyruvate dehydrogenase complex component X; plus strand). Cytogenetic location: 11p13.
Variant type: single nucleotide variant.
Coding change: c.242G>A on transcript NM_003477.3 (MANE Select); coding-DNA position 242, G replaced by A.
Protein change: p.Gly81Asp; replaces glycine 81 with aspartic acid.
Molecular consequence: missense variant.
Genome position (GRCh38, 1-based): chr11:34,947,506, G>A. VCF-style: chr11-34947506-G-A. GRCh37 (hg19) VCF-style: chr11-34969053-G-A.
Other names: c.62G>A, p.Gly21Asp (NM_001135024.2); c.242G>A, p.Gly81Asp (NM_001166158.2); short protein forms G21D, G81D.
Identifiers: ClinVar variation 2415797 (VCV002415797.5), dbSNP rs554051809, ClinGen allele CA5945807.
Genomic context (GRCh38, chr11:34,947,506, plus strand): 5'-ATATATACATAGTAATATTTATATTTTAAAAAACAAAACAAACCCAGTCTTGTTTTGTAG[G>A]TGAAGCGGTGAGTGCTGGAGATGCATTATGTGAAATTGAGACTGACAAAGCTGTGGTTAC-3'
Protein context (NP_003468.2, residues 71-91): GNIVKWLKKE[Gly81Asp]EAVSAGDALC